The following is an entry in ClinVar:

ClinVar aggregate classification (germline): Uncertain significance (1 of 4 stars; one submission).

Conditions:
Neurodevelopmental disorder with or without early-onset generalized epilepsy. Identifiers: MedGen C5436914, MONDO:0030930, OMIM 619157.

gnomAD v4.1: 1 of 1,613,928 alleles (0.000062%); highest among the groups gnomAD compares: Non-Finnish European, 0.000085%; no homozygotes.

Submission:

Laboratoire Génétique Moléculaire, CHRU TOURS
Classification: Uncertain significance for Neurodevelopmental disorder with or without early-onset generalized epilepsy. Last evaluated: 2023-12-22. Review status: criteria provided, single submitter. Criteria: ACMG Guidelines, 2015. Collection method: clinical testing. Allele origin: maternal.
Comment: PM2;PM6;PP3

NM_001385012.1(NBEA):c.8563G>A (p.Glu2855Lys)

Gene: NBEA (neurobeachin; plus strand). Cytogenetic location: 13q13.3.
Variant type: single nucleotide variant.
Coding change: c.8563G>A on transcript NM_001385012.1 (MANE Select); coding-DNA position 8563, G replaced by A.
Protein change: p.Glu2855Lys; replaces glutamic acid 2855 with lysine.
Molecular consequence: missense variant.
Genome position (GRCh38, 1-based): chr13:35,667,472, G>A. VCF-style: chr13-35667472-G-A. GRCh37 (hg19) VCF-style: chr13-36241609-G-A.
Other names: c.1879G>A, p.Glu627Lys (NM_001204197.3); c.8554G>A, p.Glu2852Lys (NM_001379245.1); c.8500G>A, p.Glu2834Lys (NM_015678.5); short protein forms E2855K, E2852K, E627K, E2834K.
Identifiers: ClinVar variation 4294368 (VCV004294368.1).